The following is an entry in ClinVar:

ClinVar aggregate classification (germline): Uncertain significance (1 of 4 stars; one submission).

Conditions:
CCDC50-related disorder. Also called: CCDC50-related condition.

gnomAD v4.1: 5 of 1,613,572 alleles (0.00031%); highest among the groups gnomAD compares: African/African-American, 0.0067%; no homozygotes.

Submission:

PreventionGenetics, part of Exact Sciences
Classification: Uncertain significance for CCDC50-related condition. Last evaluated: 2025-08-20. Review status: criteria provided, single submitter. Criteria: ACMG Guidelines, 2015. Collection method: clinical testing. Allele origin: germline.
Comment: The CCDC50 c.626C>A variant is predicted to result in premature protein termination (p.Ser209*). To our knowledge, this variant has not been reported in the literature. This variant is reported in 0.023% of alleles in individuals of African descent in gnomAD. At this time, the clinical significance of this variant is uncertain due to the absence of conclusive functional and genetic evidence.

NM_178335.3(CCDC50):c.626C>A (p.Ser209Ter)

Gene: CCDC50 (coiled-coil domain containing 50; plus strand). Cytogenetic location: 3q28.
Variant type: single nucleotide variant.
Coding change: c.626C>A on transcript NM_178335.3 (MANE Select); coding-DNA position 626, C replaced by A.
Protein change: p.Ser209Ter; replaces serine 209 with a stop codon.
Molecular consequence: nonsense. On other transcripts: intron variant (1).
Genome position (GRCh38, 1-based): chr3:191,375,239, C>A. VCF-style: chr3-191375239-C-A. GRCh37 (hg19) VCF-style: chr3-191093028-C-A.
Other names: c.449-4920C>A (NM_174908.4); short protein forms S209*.
Identifiers: ClinVar variation 4988820 (VCV004988820.1).